The following is an entry in ClinVar:

NC_000009.12:g.35658074G>C

Gene: RMRP (RNA component of mitochondrial RNA processing endoribonuclease; minus strand). Cytogenetic location: 9p13.3.
Variant type: single nucleotide variant.
Genome position: GRCh38 VCF-style: chr9-35658074-G-C. GRCh37 (hg19) VCF-style: chr9-35658071-G-C.
Identifiers: ClinVar variation 384764 (VCV000384764.3), dbSNP rs531089786, ClinGen allele CA16605865.
Genomic context (GRCh38, chr9:35,658,074, plus strand): 5'-GAACCACGTCCTCAGCTTCACAGAGTAGTATTTTATAGCCCTAAAGAAATTGTGTTTTAT[G>C]ATTAGGGTGAGAAAGTTGGTGGCGTGAGATTAAAAAAACCGTTTTCGGGCATAACTTTCT-3'

ClinVar aggregate classification (germline): Conflicting classifications of pathogenicity. Review status: criteria provided, conflicting classifications (1 of 4 stars). 2 submissions from 2 submitters: Uncertain significance (1); Likely benign (1). Last evaluated 2022-05-12.

Conditions:
Anauxetic dysplasia. Identifiers: Orphanet 93347, MedGen C1846796, MONDO:0011773.

Allele frequency attached by ClinVar (database versions not stated): TOPMed 0.00005; 1000 Genomes Project 30x 0.00016; 1000 Genomes Project 0.00020.

Submissions (2):

Labcorp Genetics (formerly Invitae), Labcorp
Classification: Uncertain significance for Anauxetic dysplasia. Last evaluated: 2022-05-12. Review status: criteria provided, single submitter. Criteria: Invitae Variant Classification Sherloc (09022015). Collection method: clinical testing. Allele origin: germline.
Comment: This variant occurs in the RMRP gene, which encodes an RNA molecule that does not result in a protein product. This variant is present in population databases (rs531089786, gnomAD 0.01%). This variant has not been reported in the literature in individuals affected with RMRP-related conditions. Experimental studies and prediction algorithms are not available or were not evaluated, and the functional significance of this variant is currently unknown. In summary, the available evidence is currently insufficient to determine the role of this variant in disease. Therefore, it has been classified as a Variant of Uncertain Significance.

GeneDx
Classification: Likely benign. Last evaluated: 2016-03-22. Review status: criteria provided, single submitter. Criteria: GeneDx Variant Classification (06012015). Collection method: clinical testing. Allele origin: germline. Affected: yes.
Comment: This variant is considered likely benign or benign based on one or more of the following criteria: it is a conservative change, it occurs at a poorly conserved position in the protein, it is predicted to be benign by multiple in silico algorithms, and/or has population frequency not consistent with disease.